The following is an entry in ClinVar:

NM_014806.5(RUSC2):c.2859G>A (p.Pro953=)

Gene: RUSC2 (RUN and SH3 domain containing 2; plus strand). Cytogenetic location: 9p13.3.
Variant type: single nucleotide variant.
Coding change: c.2859G>A on transcript NM_014806.5 (MANE Select); coding-DNA position 2859, G replaced by A.
Protein change: p.Pro953=; no amino-acid change (proline 953 retained).
Molecular consequence: synonymous variant. On other transcripts: non-coding transcript variant (1).
Genome position (GRCh38, 1-based): chr9:35,556,324, G>A. VCF-style: chr9-35556324-G-A. GRCh37 (hg19) VCF-style: chr9-35556321-G-A.
Other names: c.2859G>A, p.Pro953= (NM_001135999.2); c.225G>A, p.Pro75= (NM_001330740.2).
Identifiers: ClinVar variation 1599160 (VCV001599160.17), dbSNP rs878072, ClinGen allele CA5043993.
Genomic context (GRCh38, chr9:35,556,324, plus strand): 5'-CTGCACTGAGAGTTGCTCAGGATTGATTTTTCTCTTCTTTCCAGGCCAAGCAGTGAAGCC[G>A]TTACCACTGACCTGCCCTGACTTCCAGGACCCCTTTTCCTTGACGGAGAAGCCTCCAGCT-3'
Protein context (NP_055621.2, residues 943-963): NCRLNGQAVK[Pro953=]LPLTCPDFQD

ClinVar aggregate classification (germline): Benign/Likely benign. Review status: criteria provided, multiple submitters, no conflicts (2 of 4 stars). 3 submissions from 3 submitters: Benign (1); Likely benign (2). Last evaluated 2026-01-19.

Allele frequency attached by ClinVar (database versions not stated): gnomAD exomes 0.00090 and 0.00105; ExAC 0.00119; gnomAD 0.00255 and 0.00262; TOPMed 0.00258; ESP Exome Variant Server 0.00308; 1000 Genomes Project 0.00359; 1000 Genomes Project 30x 0.00375.
gnomAD v4.1: 1,680 of 1,614,146 alleles (0.1%); highest among the groups gnomAD compares: African/African-American, 0.77%; 3 homozygotes.

Submissions (3):

Labcorp Genetics (formerly Invitae), Labcorp
Classification: Benign. Last evaluated: 2026-01-19. Review status: criteria provided, single submitter. Criteria: Invitae Variant Classification Sherloc (09022015). Collection method: clinical testing. Allele origin: germline.

CeGaT Center for Human Genetics Tuebingen
Classification: Likely benign. Last evaluated: 2025-12-01. Review status: criteria provided, single submitter. Criteria: CeGaT Center For Human Genetics Tuebingen Variant Classification Criteria Version 2. Collection method: clinical testing. Allele origin: germline. Affected: yes. Observed: 3 variant alleles.
Comment: RUSC2: BP4, BP7

Blueprint Genetics
Classification: Likely benign. Last evaluated: 2024-11-21. Review status: criteria provided, single submitter. Criteria: ACMG Guidelines, 2015. Collection method: clinical testing. Allele origin: germline.